The following is an entry in ClinVar:

NM_001394998.1(TANC2):c.5923T>G (p.Phe1975Val)

Gene: TANC2 (tetratricopeptide repeat, ankyrin repeat and coiled-coil containing 2; plus strand). Cytogenetic location: 17q23.3.
Variant type: single nucleotide variant.
Coding change: c.5923T>G on transcript NM_001394998.1 (MANE Select); coding-DNA position 5923, T replaced by G.
Protein change: p.Phe1975Val; replaces phenylalanine 1975 with valine.
Molecular consequence: missense variant.
Genome position (GRCh38, 1-based): chr17:63,421,653, T>G. VCF-style: chr17-63421653-T-G. GRCh37 (hg19) VCF-style: chr17-61499014-T-G.
Other names: c.5701T>G, p.Phe1901Val (NM_001411076.1); c.5671T>G, p.Phe1891Val (NM_025185.4); short protein forms F1891V, F1901V, F1975V.
Identifiers: ClinVar variation 2430431 (VCV002430431.2), dbSNP rs2510610435, ClinGen allele CA400547816.

ClinVar aggregate classification (germline): Uncertain significance (1 of 4 stars; one submission).

Allele frequency attached by ClinVar (database versions not stated): gnomAD exomes below 0.00001.
gnomAD v4.1: 1 of 1,614,026 alleles (0.000062%); highest among the groups gnomAD compares: Non-Finnish European, 0.000085%; no homozygotes.

Submission:

GeneDx
Classification: Uncertain significance. Last evaluated: 2024-10-04. Review status: criteria provided, single submitter. Criteria: GeneDx Variant Classification Process June 2021. Collection method: clinical testing. Allele origin: germline.
Comment: Not observed at significant frequency in large population cohorts (gnomAD); In silico analysis supports that this missense variant does not alter protein structure/function; Has not been previously published as pathogenic or benign to our knowledge